The following is an entry in ClinVar:

NM_000785.4(CYP27B1):c.580G>A (p.Gly194Arg)

Gene: CYP27B1 (cytochrome P450 family 27 subfamily B member 1; minus strand). Cytogenetic location: 12q14.1.
Variant type: single nucleotide variant.
Coding change: c.580G>A on transcript NM_000785.4 (MANE Select); coding-DNA position 580, G replaced by A.
Protein change: p.Gly194Arg; replaces glycine 194 with arginine.
Molecular consequence: missense variant.
Genome position (GRCh38, 1-based): chr12:57,765,306, C>T on the plus strand (G>A on the coding strand, the complement: CYP27B1 is on the minus strand). VCF-style: chr12-57765306-C-T. GRCh37 (hg19) VCF-style: chr12-58159089-C-T.
Other names: short protein forms G194R.
Identifiers: ClinVar variation 2152155 (VCV002152155.1), dbSNP rs1350652707, ClinGen allele CA385505782.

ClinVar aggregate classification (germline): Uncertain significance (1 of 4 stars; one submission).

gnomAD v4.1: 3 of 1,612,978 alleles (0.00019%); highest among the groups gnomAD compares: Non-Finnish European, 0.00025%; no homozygotes.

Submission:

Labcorp Genetics (formerly Invitae), Labcorp
Classification: Uncertain significance. Last evaluated: 2021-11-28. Review status: criteria provided, single submitter. Criteria: Invitae Variant Classification Sherloc (09022015). Collection method: clinical testing. Allele origin: germline.
Comment: This sequence change replaces glycine, which is neutral and non-polar, with arginine, which is basic and polar, at codon 194 of the CYP27B1 protein (p.Gly194Arg). This variant is not present in population databases (gnomAD no frequency). This missense change has been observed in individual(s) with clinical features of vitamin-D dependent rickets (PMID: 30382318). In at least one individual the data is consistent with being in trans (on the opposite chromosome) from a pathogenic variant. Algorithms developed to predict the effect of missense changes on protein structure and function (SIFT, PolyPhen-2, Align-GVGD) all suggest that this variant is likely to be disruptive. In summary, the available evidence is currently insufficient to determine the role of this variant in disease. Therefore, it has been classified as a Variant of Uncertain Significance.

Literature cited by the submitters: PubMed 30382318.